The following is an entry in ClinVar:

ClinVar aggregate classification (germline): Uncertain significance (1 of 4 stars; one submission).

Conditions:
Microcephaly, normal intelligence and immunodeficiency (NBS). Also called: Immunodeficiency, microcephaly with normal intelligence; Ataxia telangiectasia variant V1; IMMUNODEFICIENCY, MICROCEPHALY, AND CHROMOSOMAL INSTABILITY; BERLIN BREAKAGE SYNDROME; SEEMANOVA SYNDROME II; Nijmegen breakage syndrome. Identifiers: Orphanet 647, MedGen C0398791, MONDO:0009623, OMIM 251260.

gnomAD v4.1: 3 of 1,613,204 alleles (0.00019%); highest among the groups gnomAD compares: Non-Finnish European, 0.00025%; no homozygotes.

Submission:

Labcorp Genetics (formerly Invitae), Labcorp
Classification: Uncertain significance for Microcephaly, normal intelligence and immunodeficiency. Last evaluated: 2022-03-18. Review status: criteria provided, single submitter. Criteria: Invitae Variant Classification Sherloc (09022015). Collection method: clinical testing. Allele origin: germline.
Comment: This sequence change replaces glutamine, which is neutral and polar, with proline, which is neutral and non-polar, at codon 134 of the NBN protein (p.Gln134Pro). This variant is not present in population databases (gnomAD no frequency). This variant has not been reported in the literature in individuals affected with NBN-related conditions. Algorithms developed to predict the effect of missense changes on protein structure and function (SIFT, PolyPhen-2, Align-GVGD) all suggest that this variant is likely to be tolerated. In summary, the available evidence is currently insufficient to determine the role of this variant in disease. Therefore, it has been classified as a Variant of Uncertain Significance.

NM_002485.5(NBN):c.401A>C (p.Gln134Pro)

Gene: NBN (nibrin; minus strand). Cytogenetic location: 8q21.3.
Variant type: single nucleotide variant.
Coding change: c.401A>C on transcript NM_002485.5 (MANE Select); coding-DNA position 401, A replaced by C.
Protein change: p.Gln134Pro; replaces glutamine 134 with proline.
Molecular consequence: missense variant.
Genome position (GRCh38, 1-based): chr8:89,980,813, T>G on the plus strand (A>C on the coding strand, the complement: NBN is on the minus strand). VCF-style: chr8-89980813-T-G. GRCh37 (hg19) VCF-style: chr8-90993041-T-G.
Other names: c.155A>C, p.Gln52Pro (NM_001024688.3); short protein forms Q52P, Q134P.
Identifiers: ClinVar variation 2024572 (VCV002024572.1), dbSNP rs1586106962, ClinGen allele CA371661899.